The following is an entry in ClinVar:

NM_199420.4(POLQ):c.2840C>T (p.Ser947Phe)

Gene: POLQ (DNA polymerase theta; minus strand). Cytogenetic location: 3q13.33.
Variant type: single nucleotide variant.
Coding change: c.2840C>T on transcript NM_199420.4 (MANE Select); coding-DNA position 2840, C replaced by T.
Protein change: p.Ser947Phe; replaces serine 947 with phenylalanine.
Molecular consequence: missense variant.
Genome position (GRCh38, 1-based): chr3:121,490,091, G>A on the plus strand (C>T on the coding strand, the complement: POLQ is on the minus strand). VCF-style: chr3-121490091-G-A. GRCh37 (hg19) VCF-style: chr3-121208938-G-A.
Other names: short protein forms S947F.
Identifiers: ClinVar variation 2625880 (VCV002625880.2), dbSNP rs867223265, ClinGen allele CA81836791.

ClinVar aggregate classification (germline): Uncertain significance (1 of 4 stars; one submission).

Submission:

Ambry Genetics
Classification: Uncertain significance. Last evaluated: 2023-09-09. Review status: criteria provided, single submitter. Criteria: Ambry Variant Classification Scheme 2023. Collection method: clinical testing. Allele origin: germline.
Comment: The p.S947F variant (also known as c.2840C>T), located in coding exon 16 of the POLQ gene, results from a C to T substitution at nucleotide position 2840. The serine at codon 947 is replaced by phenylalanine, an amino acid with highly dissimilar properties. This amino acid position is conserved. In addition, this alteration is predicted to be tolerated by in silico analysis. Since supporting evidence is limited at this time, the clinical significance of this alteration remains unclear.